The following is an entry in ClinVar:

NM_022455.5(NSD1):c.4433C>T (p.Ala1478Val)

Gene: NSD1 (nuclear receptor binding SET domain protein 1; plus strand). Cytogenetic location: 5q35.3.
Variant type: single nucleotide variant.
Coding change: c.4433C>T on transcript NM_022455.5 (MANE Select); coding-DNA position 4433, C replaced by T.
Protein change: p.Ala1478Val; replaces alanine 1478 with valine.
Molecular consequence: missense variant.
Genome position (GRCh38, 1-based): chr5:177,246,732, C>T. VCF-style: chr5-177246732-C-T. GRCh37 (hg19) VCF-style: chr5-176673733-C-T.
Other names: c.3560C>T, p.Ala1187Val (NM_001365684.2, NM_001409306.1, NM_001409307.1 and 3 more transcripts); c.4433C>T, p.Ala1478Val (NM_001409301.1, NM_001409302.1, NM_001409303.1); c.4013C>T, p.Ala1338Val (NM_001409304.1); c.3680C>T, p.Ala1227Val (NM_001409305.1); short protein forms A1187V, A1227V, A1338V, A1478V.
Identifiers: ClinVar variation 2633959 (VCV002633959.1), dbSNP rs1766327585, ClinGen allele CA362348756.
Genomic context (GRCh38, chr5:177,246,732, plus strand): 5'-TCATAGGCACTACCAAGATATTTGACAAGCCAAGGAAGCGAAAACGACAGAGGCATGCTG[C>T]AGCCAAGATGCAGTGTAAAAAAGTGAAAAATGATGACTCGTCAAAAGAGATTCCAGGCTC-3'
Protein context (NP_071900.2, residues 1468-1488): PRKRKRQRHA[Ala1478Val]AKMQCKKVKN

ClinVar aggregate classification (germline): Uncertain significance (1 of 4 stars; one submission).

Conditions:
NSD1-related disorder. Also called: NSD1-related condition.

Allele frequency attached by ClinVar (database versions not stated): TOPMed below 0.00001.

Submission:

PreventionGenetics, part of Exact Sciences
Classification: Uncertain significance for NSD1-related condition. Last evaluated: 2023-10-02. Review status: criteria provided, single submitter. Criteria: ACMG Guidelines, 2015. Collection method: clinical testing. Allele origin: germline.
Comment: The NSD1 c.4433C>T variant is predicted to result in the amino acid substitution p.Ala1478Val. To our knowledge, this variant has not been reported in the literature or in a large population database, indicating this variant is rare. At this time, the clinical significance of this variant is uncertain due to the absence of conclusive functional and genetic evidence.